The following is an entry in ClinVar:

ClinVar aggregate classification (germline): Uncertain significance (1 of 4 stars; one submission).

Conditions:
Inherited ovarian cancer (without breast cancer).

Submission:

Genomics and Molecular Medicine Service, East Genomic Laboratory Hub, NHS Genomic Medicine Service
Classification: Uncertain significance for Inherited ovarian cancer (without breast cancer). Last evaluated: 2024-08-14. Review status: criteria provided, single submitter. Criteria: ACGS Best Practice Guidelines for Variant Classification in Rare Disease 2020. Collection method: clinical testing. Allele origin: germline. Affected: yes.
Comment: PM1_Supporting,PM2,PP3

NM_000059.4(BRCA2):c.8023A>T (p.Ile2675Leu)

Gene: BRCA2 (BRCA2 DNA repair associated; plus strand). Cytogenetic location: 13q13.1.
Variant type: single nucleotide variant.
Coding change: c.8023A>T on transcript NM_000059.4 (MANE Select); coding-DNA position 8023, A replaced by T.
Protein change: p.Ile2675Leu; replaces isoleucine 2675 with leucine.
Molecular consequence: missense variant. On other transcripts: non-coding transcript variant (1).
Genome position (GRCh38, 1-based): chr13:32,363,225, A>T. VCF-style: chr13-32363225-A-T. GRCh37 (hg19) VCF-style: chr13-32937362-A-T.
Other names: c.7927A>T, p.Ile2643Leu (NM_001406719.1); c.8023A>T, p.Ile2675Leu (NM_001406720.1, NM_001432077.1); c.3091A>T, p.Ile1031Leu (NM_001406721.1); c.1606A>T, p.Ile536Leu (NM_001406722.1); short protein forms I1031L, I2643L, I2675L, I536L.
Identifiers: ClinVar variation 3387794 (VCV003387794.1).
Genomic context (GRCh38, chr13:32,363,225, plus strand): 5'-GTTTTCACTTTTAGATATGATACGGAAATTGATAGAAGCAGAAGATCGGCTATAAAAAAG[A>T]TAATGGAAAGGGATGACACAGCTGCAAAAACACTTGTTCTCTGTGTTTCTGACATAATTT-3'
Protein context (NP_000050.3, residues 2665-2685): DRSRRSAIKK[Ile2675Leu]MERDDTAAKT